The following is an entry in ClinVar:

NM_000070.3(CAPN3):c.380-8_395del

Genes: CAPN3 (calpain 3; plus strand), LOC126862115 (BRD4-independent group 4 enhancer GRCh37_chr15:42677734-42678933; plus strand). Cytogenetic location: 15q15.1.
Variant type: Deletion.
Coding change: c.380-8_395del on transcript NM_000070.3 (MANE Select); 8 bases into the intron before coding-DNA position 380 through coding-DNA position 395, 24 bases deleted (GCCTGCAGGGGACTGCTGGTTTCT).
Molecular consequence: splice acceptor variant.
Genome position (GRCh38, 1-based): chr15:42,386,159-42,386,182, GCCTGCAGGGGACTGCTGGTTTCT deleted; deleting any 24 consecutive bases within chr15:42,386,156-42,386,182 gives the same sequence; the c. name uses the placement nearest the transcript's 3' end. VCF-style (leftmost placement, unchanged base first): chr15-42386155-GTCTGCCTGCAGGGGACTGCTGGTT-G. GRCh37 (hg19) VCF-style: chr15-42678353-GTCTGCCTGCAGGGGACTGCTGGTT-G.
Other names: c.380-8_395del (NM_024344.2, NM_173087.2); c.380-8_395del24 (NM_000070.2).
Identifiers: ClinVar variation 556559 (VCV000556559.8), dbSNP rs1555420302, ClinGen allele CA658823861.

ClinVar aggregate classification (germline): Pathogenic. Review status: criteria provided, single submitter (1 of 4 stars). 2 submissions from 2 submitters: Pathogenic (1). 1 of the submissions does not count toward it. Last evaluated 2024-11-11.

Conditions:
Autosomal recessive limb-girdle muscular dystrophy type 2A (LGMDR1). Also called: Muscular dystrophy, limb-girdle, type 2A, Amish; LEYDEN-MOEBIUS MUSCULAR DYSTROPHY; MUSCULAR DYSTROPHY, PELVOFEMORAL; Limb-girdle muscular dystrophy, type 2A; Calpainopathy. Identifiers: Orphanet 267, MedGen C1869123, MONDO:0009675, OMIM 253600. Disease mechanism: loss of function.

Submissions (2):

Labcorp Genetics (formerly Invitae), Labcorp
Classification: Pathogenic for Autosomal recessive limb-girdle muscular dystrophy type 2A. Last evaluated: 2024-11-11. Review status: criteria provided, single submitter. Criteria: Invitae Variant Classification Sherloc (09022015). Collection method: clinical testing. Allele origin: germline.
Comment: This variant results in the deletion of part of exon 3 (c.380-8_395del) of the CAPN3 gene. It is expected to disrupt RNA splicing. Variants that disrupt the donor or acceptor splice site typically lead to a loss of protein function (PMID: 16199547), and loss-of-function variants in CAPN3 are known to be pathogenic (PMID: 10330340, 15689361). This variant is not present in population databases (gnomAD no frequency). This variant has not been reported in the literature in individuals affected with CAPN3-related conditions. ClinVar contains an entry for this variant (Variation ID: 556559). This variant disrupts a region of the CAPN3 protein in which other variant(s) (p.Trp130Ser) have been determined to be pathogenic (PMID: 33337384). This suggests that this is a clinically significant region of the protein, and that variants that disrupt it are likely to be disease-causing. For these reasons, this variant has been classified as Pathogenic.

Counsyl
Classification: Likely pathogenic for Autosomal recessive limb-girdle muscular dystrophy type 2A. Last evaluated: 2018-02-06. Review status: no assertion criteria provided. Collection method: clinical testing. Allele origin: unknown. Not counted in ClinVar's aggregate classification.

Literature cited by the submitters: PubMed 16199547 (cited by Labcorp Genetics (formerly Invitae), Labcorp); PubMed 10330340 (cited by Labcorp Genetics (formerly Invitae), Labcorp); PubMed 15689361 (cited by Labcorp Genetics (formerly Invitae), Labcorp); PubMed 33337384 (cited by Labcorp Genetics (formerly Invitae), Labcorp).